The following is an entry in ClinVar:

ClinVar aggregate classification (germline): Likely benign. Review status: criteria provided, single submitter (1 of 4 stars). 2 submissions from 2 submitters: Likely benign (1). 1 of the submissions does not count toward it. Last evaluated 2025-10-27.

Conditions:
IBA57-related disorder. Also called: IBA57-related condition.
Multiple mitochondrial dysfunctions syndrome 3 (MMDS3). Identifiers: Orphanet 363424, MedGen C3809165, MONDO:0014132, OMIM 615330.
Hereditary spastic paraplegia 74. Also called: Spastic paraplegia 74, autosomal recessive. Identifiers: Orphanet 468661, MedGen C5568837, MONDO:0014644, OMIM 616451.

Allele frequency attached by ClinVar (database versions not stated): ExAC 0.00044; TOPMed 0.00030; 1000 Genomes Project 30x 0.00062; gnomAD exomes 0.00051; 1000 Genomes Project 0.00080; gnomAD 0.00019 and 0.00023.
gnomAD v4.1: 225 of 1,612,940 alleles (0.014%); highest among the groups gnomAD compares: East Asian, 0.47%; 1 homozygote.

Submissions (2):

Labcorp Genetics (formerly Invitae), Labcorp
Classification: Likely benign for Multiple mitochondrial dysfunctions syndrome 3; Hereditary spastic paraplegia 74. Last evaluated: 2025-10-27. Review status: criteria provided, single submitter. Criteria: Invitae Variant Classification Sherloc (09022015). Collection method: clinical testing. Allele origin: germline.

PreventionGenetics, part of Exact Sciences
Classification: Benign for IBA57-related condition. Last evaluated: 2020-03-27. Review status: no assertion criteria provided. Collection method: clinical testing. Allele origin: germline. Not counted in ClinVar's aggregate classification.
Comment: This variant is classified as benign based on ACMG/AMP sequence variant interpretation guidelines (Richards et al. 2015 PMID: 25741868, with internal and published modifications).

NM_001010867.4(IBA57):c.930C>G (p.Phe310Leu)

Gene: IBA57 (iron-sulfur cluster assembly factor IBA57; plus strand). Cytogenetic location: 1q42.13.
Variant type: single nucleotide variant.
Coding change: c.930C>G on transcript NM_001010867.4 (MANE Select); coding-DNA position 930, C replaced by G.
Protein change: p.Phe310Leu; replaces phenylalanine 310 with leucine.
Molecular consequence: missense variant.
Genome position (GRCh38, 1-based): chr1:228,175,372, C>G. VCF-style: chr1-228175372-C-G. GRCh37 (hg19) VCF-style: chr1-228363073-C-G.
Other names: c.351C>G, p.Phe117Leu (NM_001310327.2); short protein forms F117L, F310L.
Identifiers: ClinVar variation 707076 (VCV000707076.13), dbSNP rs142734560, ClinGen allele CA1431292.